The following is an entry in ClinVar:

NM_145868.2(ANXA11):c.1061T>C (p.Met354Thr)

Gene: ANXA11 (annexin A11; minus strand). Cytogenetic location: 10q22.3.
Variant type: single nucleotide variant.
Coding change: c.1061T>C on transcript NM_145868.2 (MANE Select); coding-DNA position 1061, T replaced by C.
Protein change: p.Met354Thr; replaces methionine 354 with threonine.
Molecular consequence: missense variant.
Genome position (GRCh38, 1-based): chr10:80,163,374, A>G on the plus strand (T>C on the coding strand, the complement: ANXA11 is on the minus strand). VCF-style: chr10-80163374-A-G. GRCh37 (hg19) VCF-style: chr10-81923130-A-G.
Other names: c.1061T>C, p.Met354Thr (NM_001157.3, NM_001278407.2, NM_001278408.2 and 1 more transcripts); c.962T>C, p.Met321Thr (NM_001278409.2); short protein forms M321T, M354T.
Identifiers: ClinVar variation 2208124 (VCV002208124.5), dbSNP rs373296075, ClinGen allele CA5575952.
Genomic context (GRCh38, chr10:80,163,374, plus strand): 5'-TTTAGGAAGTCCAGGGGCTTGGCCATCACACTCACCTGGGCATCTCTCTGGGCGAGTGAC[A>G]TGTCCACGTTTGTGCTTTCATCACGGTTTCCCTGAAAGGAAGCAGGTGTATGGTCATGCC-3'
Protein context (NP_665875.1, residues 344-364): GNRDESTNVD[Met354Thr]SLAQRDAQEL

ClinVar aggregate classification (germline): Uncertain significance. Review status: criteria provided, multiple submitters, no conflicts (2 of 4 stars). 2 submissions from 2 submitters: Uncertain significance (2). Last evaluated 2025-04-16.

Conditions:
Inborn genetic diseases. Identifiers: MedGen C0950123, MeSH D030342.

Allele frequency attached by ClinVar (database versions not stated): TOPMed 0.00014; ExAC 0.00002; gnomAD 0.00013; gnomAD exomes 0.00002; ESP Exome Variant Server 0.00008.

Submissions (2):

Ambry Genetics
Classification: Uncertain significance for Inborn genetic diseases. Last evaluated: 2025-04-16. Review status: criteria provided, single submitter. Criteria: Ambry Variant Classification Scheme 2023. Collection method: clinical testing. Allele origin: germline.

Labcorp Genetics (formerly Invitae), Labcorp
Classification: Uncertain significance. Last evaluated: 2025-02-16. Review status: criteria provided, single submitter. Criteria: Invitae Variant Classification Sherloc (09022015). Collection method: clinical testing. Allele origin: germline.
Comment: This sequence change replaces methionine, which is neutral and non-polar, with threonine, which is neutral and polar, at codon 354 of the ANXA11 protein (p.Met354Thr). This variant is present in population databases (rs373296075, gnomAD 0.05%), and has an allele count higher than expected for a pathogenic variant. This variant has not been reported in the literature in individuals affected with ANXA11-related conditions. ClinVar contains an entry for this variant (Variation ID: 2208124). An algorithm developed to predict the effect of missense changes on protein structure and function (PolyPhen-2) suggests that this variant is likely to be tolerated. In summary, the available evidence is currently insufficient to determine the role of this variant in disease. Therefore, it has been classified as a Variant of Uncertain Significance.